The following is an entry in ClinVar:

ClinVar aggregate classification (germline): Uncertain significance. Review status: criteria provided, multiple submitters, no conflicts (2 of 4 stars). 2 submissions from 2 submitters: Uncertain significance (2). Last evaluated 2025-12-03.

Conditions:
Neuronal ceroid lipofuscinosis. Also called: Neuronal Ceroid Lipofuscinoses. Identifiers: Orphanet 216, Orphanet 79263, MedGen C0027877, MONDO:0016295. Disease mechanism: loss of function.
Inborn genetic diseases. Identifiers: MedGen C0950123, MeSH D030342.

Submissions (2):

Labcorp Genetics (formerly Invitae), Labcorp
Classification: Uncertain significance for Neuronal ceroid lipofuscinosis. Last evaluated: 2025-12-03. Review status: criteria provided, single submitter. Criteria: Invitae Variant Classification Sherloc (09022015). Collection method: clinical testing. Allele origin: germline.
Comment: This sequence change replaces asparagine, which is neutral and polar, with threonine, which is neutral and polar, at codon 50 of the DNAJC5 protein (p.Asn50Thr). This variant is not present in population databases (gnomAD no frequency). This variant has not been reported in the literature in individuals affected with DNAJC5-related conditions. ClinVar contains an entry for this variant (Variation ID: 4243312). An algorithm developed to predict the effect of missense changes on protein structure and function (PolyPhen-2) suggests that this variant is likely to be disruptive. In summary, the available evidence is currently insufficient to determine the role of this variant in disease. Therefore, it has been classified as a Variant of Uncertain Significance.

Ambry Genetics
Classification: Uncertain significance for Inborn genetic diseases. Last evaluated: 2025-08-25. Review status: criteria provided, single submitter. Criteria: Ambry Variant Classification Scheme 2023. Collection method: clinical testing. Allele origin: germline.

NM_025219.3(DNAJC5):c.149A>C (p.Asn50Thr)

Gene: DNAJC5 (DnaJ heat shock protein family (Hsp40) member C5; plus strand). Cytogenetic location: 20q13.33.
Variant type: single nucleotide variant.
Coding change: c.149A>C on transcript NM_025219.3 (MANE Select); coding-DNA position 149, A replaced by C.
Protein change: p.Asn50Thr; replaces asparagine 50 with threonine.
Molecular consequence: missense variant.
Genome position (GRCh38, 1-based): chr20:63,929,353, A>C. VCF-style: chr20-63929353-A-C. GRCh37 (hg19) VCF-style: chr20-62560706-A-C.
Other names: short protein forms N50T.
Identifiers: ClinVar variation 4243312 (VCV004243312.2).